The following is an entry in ClinVar:

NM_006912.6(RIT1):c.139C>A (p.Pro47Thr)

Gene: RIT1 (Ras like without CAAX 1; minus strand). Cytogenetic location: 1q22.
Variant type: single nucleotide variant.
Coding change: c.139C>A on transcript NM_006912.6 (MANE Select); coding-DNA position 139, C replaced by A.
Protein change: p.Pro47Thr; replaces proline 47 with threonine.
Molecular consequence: missense variant.
Genome position (GRCh38, 1-based): chr1:155,910,474, G>T on the plus strand (C>A on the coding strand, the complement: RIT1 is on the minus strand). VCF-style: chr1-155910474-G-T. GRCh37 (hg19) VCF-style: chr1-155880265-G-T.
Other names: c.31C>A, p.Pro11Thr (NM_001256820.2); c.190C>A, p.Pro64Thr (NM_001256821.2); short protein forms P64T, P47T, P11T.
Identifiers: ClinVar variation 2736970 (VCV002736970.3), dbSNP rs1673568941, ClinGen allele CA342775999.

ClinVar aggregate classification (germline): Uncertain significance (1 of 4 stars; one submission).

Conditions:
Noonan syndrome 8 (NS8). Identifiers: Orphanet 648, MedGen C3809233, MONDO:0014143, OMIM 615355.

Allele frequency attached by ClinVar (database versions not stated): gnomAD exomes 0.00001.

Submission:

Labcorp Genetics (formerly Invitae), Labcorp
Classification: Uncertain significance for Noonan syndrome 8. Last evaluated: 2025-06-18. Review status: criteria provided, single submitter. Criteria: Invitae Variant Classification Sherloc (09022015). Collection method: clinical testing. Allele origin: germline.
Comment: This sequence change replaces proline, which is neutral and non-polar, with threonine, which is neutral and polar, at codon 47 of the RIT1 protein (p.Pro47Thr). This variant is not present in population databases (gnomAD no frequency). This variant has not been reported in the literature in individuals affected with RIT1-related conditions. ClinVar contains an entry for this variant (Variation ID: 2736970). Invitae Evidence Modeling of protein sequence and biophysical properties (such as structural, functional, and spatial information, amino acid conservation, physicochemical variation, residue mobility, and thermodynamic stability) indicates that this missense variant is not expected to disrupt RIT1 protein function with a negative predictive value of 95%. In summary, the available evidence is currently insufficient to determine the role of this variant in disease. Therefore, it has been classified as a Variant of Uncertain Significance.